The following is an entry in ClinVar:

NM_024642.5(GALNT12):c.581T>G (p.Leu194Arg)

Gene: GALNT12 (polypeptide N-acetylgalactosaminyltransferase 12; plus strand). Cytogenetic location: 9q22.33.
Variant type: single nucleotide variant.
Coding change: c.581T>G on transcript NM_024642.5 (MANE Select); coding-DNA position 581, T replaced by G.
Protein change: p.Leu194Arg; replaces leucine 194 with arginine.
Molecular consequence: missense variant.
Genome position (GRCh38, 1-based): chr9:98,826,791, T>G. VCF-style: chr9-98826791-T-G. GRCh37 (hg19) VCF-style: chr9-101589073-T-G.
Other names: short protein forms L194R.
Identifiers: ClinVar variation 4871637 (VCV004871637.1).

ClinVar aggregate classification (germline): Uncertain significance (1 of 4 stars; one submission).

gnomAD v4.1: 1 of 1,612,030 alleles (0.000062%); highest among the groups gnomAD compares: South Asian, 0.0011%; no homozygotes.

Submission:

Ambry Genetics
Classification: Uncertain significance. Last evaluated: 2026-03-19. Review status: criteria provided, single submitter. Criteria: Ambry Variant Classification Scheme 2023. Collection method: clinical testing. Allele origin: germline.
Comment: The p.L194R variant (also known as c.581T>G), located in coding exon 3 of the GALNT12 gene, results from a T to G substitution at nucleotide position 581. The leucine at codon 194 is replaced by arginine, an amino acid with dissimilar properties. This amino acid position is conserved. In addition, the in silico prediction for this alteration is inconclusive. Based on the available evidence, the clinical significance of this variant remains unclear.